The following is an entry in ClinVar:

NM_004086.3(COCH):c.562G>T (p.Val188Phe)

Genes: COCH (cochlin; plus strand), COCH-AS1 (COCH antisense RNA 1; minus strand). Cytogenetic location: 14q12.
Variant type: single nucleotide variant.
Coding change: c.562G>T on transcript NM_004086.3 (MANE Select); coding-DNA position 562, G replaced by T.
Protein change: p.Val188Phe; replaces valine 188 with phenylalanine.
Molecular consequence: missense variant.
Genome position (GRCh38, 1-based): chr14:30,880,667, G>T. VCF-style: chr14-30880667-G-T. GRCh37 (hg19) VCF-style: chr14-31349873-G-T.
Other names: c.562G>T, p.Val188Phe (NM_001135058.2); c.757G>T, p.Val253Phe (NM_001347720.2); short protein forms V253F, V188F.
Identifiers: ClinVar variation 4709909 (VCV004709909.1).

ClinVar aggregate classification (germline): Uncertain significance (1 of 4 stars; one submission).

gnomAD v4.1: 3 of 1,614,048 alleles (0.00019%); highest among the groups gnomAD compares: Non-Finnish European, 0.00017%; no homozygotes.

Submission:

Labcorp Genetics (formerly Invitae), Labcorp
Classification: Uncertain significance. Last evaluated: 2025-04-22. Review status: criteria provided, single submitter. Criteria: Invitae Variant Classification Sherloc (09022015). Collection method: clinical testing. Allele origin: germline.
Comment: This sequence change replaces valine, which is neutral and non-polar, with phenylalanine, which is neutral and non-polar, at codon 188 of the COCH protein (p.Val188Phe). This variant is not present in population databases (gnomAD no frequency). This variant has not been reported in the literature in individuals affected with COCH-related conditions. Invitae Evidence Modeling of protein sequence and biophysical properties (such as structural, functional, and spatial information, amino acid conservation, physicochemical variation, residue mobility, and thermodynamic stability) indicates that this missense variant is expected to disrupt COCH protein function with a positive predictive value of 95%. In summary, the available evidence is currently insufficient to determine the role of this variant in disease. Therefore, it has been classified as a Variant of Uncertain Significance.